The following is an entry in ClinVar:

NM_002524.5(NRAS):c.526G>C (p.Asp176His)

Gene: NRAS (NRAS proto-oncogene, GTPase; minus strand). Cytogenetic location: 1p13.2.
Variant type: single nucleotide variant.
Coding change: c.526G>C on transcript NM_002524.5 (MANE Select); coding-DNA position 526, G replaced by C.
Protein change: p.Asp176His; replaces aspartic acid 176 with histidine.
Molecular consequence: missense variant.
Genome position (GRCh38, 1-based): chr1:114,708,579, C>G on the plus strand (G>C on the coding strand, the complement: NRAS is on the minus strand). VCF-style: chr1-114708579-C-G. GRCh37 (hg19) VCF-style: chr1-115251200-C-G.
Other names: short protein forms D176H.
Identifiers: ClinVar variation 4890832 (VCV004890832.1).

ClinVar aggregate classification (germline): Uncertain significance (1 of 4 stars; one submission).

Conditions:
Noonan syndrome 6 (NS6). Also called: NRAS-Related Noonan Syndrome. Identifiers: Orphanet 648, MedGen C2750732, MONDO:0013186, OMIM 613224.

Submission:

Helix
Classification: Uncertain significance for Noonan syndrome 6. Last evaluated: 2026-02-25. Review status: criteria provided, single submitter. Criteria: ACMG Guidelines, 2015. Collection method: clinical testing. Allele origin: germline. Inheritance: Autosomal dominant inheritance.
Comment: This variant (NM_002524.5:c.526G>C p.Asp176His) results in the substitution of aspartic acid with histidine at codon 176 in the NRAS protein. It is a rare variant that is absent from the large gnomAD population database (v4.1). To our knowledge, this variant has not been reported in individuals with NRAS-related conditions in the published literature. In silico prediction from REVEL (PMID: 27666373) suggests that this variant may be benign. In conclusion, since the available evidence is limited, the clinical significance of this variant is unclear at this time. Therefore, it is classified as a Variant of Uncertain Significance.